The following is an entry in ClinVar:

NM_004519.4(KCNQ3):c.36_42dup (p.Gly15fs)

Gene: KCNQ3 (potassium voltage-gated channel subfamily Q member 3; minus strand). Cytogenetic location: 8q24.22.
Variant type: Duplication.
Coding change: c.36_42dup on transcript NM_004519.4 (MANE Select); coding-DNA positions 36 to 42, 7 bases duplicated (TGGCGGC; older notation c.36_42dupTGGCGGC).
Protein change: p.Gly15fs; shifts the reading frame from glycine 15.
Molecular consequence: frameshift variant.
Genome position (GRCh38, 1-based): chr8:132,480,491-132,480,497, GCCGCCA duplicated on the plus strand (TGGCGGC on the coding strand, the reverse complement: KCNQ3 is on the minus strand); duplicating any 7 consecutive bases within chr8:132,480,491-132,480,503 gives the same sequence; the c. name uses the placement nearest the transcript's 3' end. VCF-style (leftmost placement, unchanged base first): chr8-132480490-C-CGCCGCCA. GRCh37 (hg19) VCF-style: chr8-133492737-C-CGCCGCCA.
Other names: short protein forms G15fs.
Identifiers: ClinVar variation 3252984 (VCV003252984.1), dbSNP rs1413253914.

ClinVar aggregate classification (germline): Uncertain significance (1 of 4 stars; one submission).

Submission:

GeneDx
Classification: Uncertain significance. Last evaluated: 2023-10-06. Review status: criteria provided, single submitter. Criteria: GeneDx Variant Classification Process June 2021. Collection method: clinical testing. Allele origin: germline. Affected: yes.
Comment: Frameshift variant predicted to result in protein truncation or nonsense mediated decay in a gene or region of a gene for which loss of function is not a well-established mechanism of disease; Not observed at significant frequency in large population cohorts (gnomAD); Has not been previously published as pathogenic or benign to our knowledge